The following is an entry in ClinVar:

ClinVar aggregate classification (germline): Uncertain significance. Review status: criteria provided, multiple submitters, no conflicts (2 of 4 stars). 2 submissions from 2 submitters: Uncertain significance (2). Last evaluated 2024-10-19.

Conditions:
Cardiovascular phenotype. Identifiers: MedGen CN230736.
Dilated cardiomyopathy 1II (CMD1II). Identifiers: Orphanet 154, MedGen C3554649, MONDO:0014073, OMIM 615184.

Allele frequency attached by ClinVar (database versions not stated): gnomAD 0.00001; gnomAD exomes 0.00001; TOPMed 0.00001.
gnomAD v4.1: 11 of 1,588,708 alleles (0.00069%); highest among the groups gnomAD compares: Non-Finnish European, 0.00094%; no homozygotes.

Submissions (2):

Ambry Genetics
Classification: Uncertain significance for Cardiovascular phenotype. Last evaluated: 2024-10-19. Review status: criteria provided, single submitter. Criteria: Ambry Variant Classification Scheme 2023. Collection method: clinical testing. Allele origin: germline.
Comment: The p.H7R variant (also known as c.20A>G), located in coding exon 1 of the CRYAB gene, results from an A to G substitution at nucleotide position 20. The histidine at codon 7 is replaced by arginine, an amino acid with highly similar properties. This amino acid position is conserved. In addition, the in silico prediction for this alteration is inconclusive. Based on the available evidence, the clinical significance of this variant remains unclear.

Labcorp Genetics (formerly Invitae), Labcorp
Classification: Uncertain significance for Dilated cardiomyopathy 1II. Last evaluated: 2024-03-19. Review status: criteria provided, single submitter. Criteria: Invitae Variant Classification Sherloc (09022015). Collection method: clinical testing. Allele origin: germline.
Comment: This sequence change replaces histidine, which is basic and polar, with arginine, which is basic and polar, at codon 7 of the CRYAB protein (p.His7Arg). This variant is not present in population databases (gnomAD no frequency). This variant has not been reported in the literature in individuals affected with CRYAB-related conditions. ClinVar contains an entry for this variant (Variation ID: 1515526). An algorithm developed to predict the effect of missense changes on protein structure and function (PolyPhen-2) suggests that this variant is likely to be disruptive. In summary, the available evidence is currently insufficient to determine the role of this variant in disease. Therefore, it has been classified as a Variant of Uncertain Significance.

NM_001289808.2(CRYAB):c.20A>G (p.His7Arg)

Gene: CRYAB (crystallin alpha B; minus strand). Cytogenetic location: 11q23.1.
Variant type: single nucleotide variant.
Coding change: c.20A>G on transcript NM_001289808.2 (MANE Select); coding-DNA position 20, A replaced by G.
Protein change: p.His7Arg; replaces histidine 7 with arginine.
Molecular consequence: missense variant.
Genome position (GRCh38, 1-based): chr11:111,911,705, T>C on the plus strand (A>G on the coding strand, the complement: CRYAB is on the minus strand). VCF-style: chr11-111911705-T-C. GRCh37 (hg19) VCF-style: chr11-111782429-T-C.
Other names: c.20A>G, p.His7Arg (NM_001289807.1, NM_001368245.1, NM_001885.3); c.20A>G (NM_001885.1); short protein forms H7R.
Identifiers: ClinVar variation 1515526 (VCV001515526.8), dbSNP rs1467726434, ClinGen allele CA382601193.